The following is an entry in ClinVar:

NM_033026.6(PCLO):c.3235T>C (p.Cys1079Arg)

Gene: PCLO (piccolo presynaptic cytomatrix protein; minus strand). Cytogenetic location: 7q21.11.
Variant type: single nucleotide variant.
Coding change: c.3235T>C on transcript NM_033026.6 (MANE Select); coding-DNA position 3235, T replaced by C.
Protein change: p.Cys1079Arg; replaces cysteine 1079 with arginine.
Molecular consequence: missense variant.
Genome position (GRCh38, 1-based): chr7:83,134,315, A>G on the plus strand (T>C on the coding strand, the complement: PCLO is on the minus strand). VCF-style: chr7-83134315-A-G. GRCh37 (hg19) VCF-style: chr7-82763631-A-G.
Other names: c.3235T>C, p.Cys1079Arg (NM_014510.3); short protein forms C1079R.
Identifiers: ClinVar variation 1494396 (VCV001494396.8), dbSNP rs2116613343, ClinGen allele CA367896885.

ClinVar aggregate classification (germline): Uncertain significance (1 of 4 stars; one submission).

Submission:

Labcorp Genetics (formerly Invitae), Labcorp
Classification: Uncertain significance. Last evaluated: 2022-08-23. Review status: criteria provided, single submitter. Criteria: Invitae Variant Classification Sherloc (09022015). Collection method: clinical testing. Allele origin: germline.
Comment: In summary, the available evidence is currently insufficient to determine the role of this variant in disease. Therefore, it has been classified as a Variant of Uncertain Significance. Algorithms developed to predict the effect of missense changes on protein structure and function are either unavailable or do not agree on the potential impact of this missense change (SIFT: "Deleterious"; PolyPhen-2: "Not Available"; Align-GVGD: "Class C0"). ClinVar contains an entry for this variant (Variation ID: 1494396). This variant has not been reported in the literature in individuals affected with PCLO-related conditions. This variant is not present in population databases (gnomAD no frequency). This sequence change replaces cysteine, which is neutral and slightly polar, with arginine, which is basic and polar, at codon 1079 of the PCLO protein (p.Cys1079Arg).